The following is an entry in ClinVar:

NM_206937.2(LIG4):c.*104C>G

Gene: LIG4 (DNA ligase 4; minus strand). Cytogenetic location: 13q33.3.
Variant type: single nucleotide variant.
Coding change: c.*104C>G on transcript NM_206937.2 (MANE Select); 104 bases downstream of the stop codon, C replaced by G.
Molecular consequence: 3 prime UTR variant.
Genome position (GRCh38, 1-based): chr13:108,208,429, G>C on the plus strand (C>G on the coding strand, the complement: LIG4 is on the minus strand). VCF-style: chr13-108208429-G-C. GRCh37 (hg19) VCF-style: chr13-108860777-G-C.
Other names: c.*104C>G (NM_001098268.2, NM_001330595.2, NM_001352598.2 and 8 more transcripts).
Identifiers: ClinVar variation 310968 (VCV000310968.9), dbSNP rs2232644, ClinGen allele CA10642743.

ClinVar aggregate classification (germline): Benign/Likely benign. Review status: criteria provided, multiple submitters, no conflicts (2 of 4 stars). 4 submissions from 3 submitters: Benign (2); Likely benign (2). Last evaluated 2018-08-26.

Conditions:
DNA ligase IV deficiency. Identifiers: Orphanet 99812, MedGen C1847827, MONDO:0011686, OMIM 606593.
Severe combined immunodeficiency due to DCLRE1C deficiency (RS-SCID). Also called: SCID, AUTOSOMAL RECESSIVE, T CELL-NEGATIVE, B CELL-NEGATIVE, NK CELL-POSITIVE, WITH SENSITIVITY TO IONIZING RADIATION. Identifiers: Orphanet 275, MedGen C1865371, MONDO:0011225, OMIM 602450.

Allele frequency attached by ClinVar (database versions not stated): gnomAD 0.00690 and 0.00647; 1000 Genomes Project 0.00719; TOPMed 0.00755; 1000 Genomes Project 30x 0.00796.
gnomAD v4.1: 1,535 of 752,178 alleles (0.2%); highest among the groups gnomAD compares: African/African-American, 2.3%; 18 homozygotes.

Submissions (4):

GeneDx
Classification: Likely benign. Last evaluated: 2018-08-26. Review status: criteria provided, single submitter. Criteria: GeneDx Variant Classification Process June 2021. Collection method: clinical testing. Allele origin: germline. Affected: yes.

Illumina Laboratory Services, Illumina
Classification: Benign for DNA ligase IV deficiency. Last evaluated: 2018-01-12. Review status: criteria provided, single submitter. Criteria: ICSL Variant Classification Criteria 13 December 2019. Collection method: clinical testing. Allele origin: germline.
Comment: This variant was observed in the ICSL laboratory as part of a predisposition screen in an ostensibly healthy population. It had not been previously curated by ICSL or reported in the Human Gene Mutation Database (HGMD: prior to June 1st, 2018), and was therefore a candidate for classification through an automated scoring system. Utilizing variant allele frequency, disease prevalence and penetrance estimates, and inheritance mode, an automated score was calculated to assess if this variant is too frequent to cause the disease. Based on the score and internal cut-off values, a variant classified as benign is not then subjected to further curation. The score for this variant resulted in a classification of benign for this disease.

Illumina Laboratory Services, Illumina
Classification: Benign for Severe combined immunodeficiency due to DCLRE1C deficiency. Last evaluated: 2018-01-12. Review status: criteria provided, single submitter. Criteria: ICSL Variant Classification Criteria 13 December 2019. Collection method: clinical testing. Allele origin: germline.
Comment: the same text as in the submission from Illumina Laboratory Services, Illumina above.

Breakthrough Genomics
Classification: Likely benign. Review status: criteria provided, single submitter. Criteria: ACMG Guidelines, 2015. Collection method: not provided. Allele origin: germline. Inheritance: Autosomal recessive inheritance. Affected: yes.